The following is an entry in ClinVar:

ClinVar aggregate classification (germline): Uncertain significance (1 of 4 stars; one submission).

Conditions:
Alpha thalassemia-X-linked intellectual disability syndrome (ATRX). Also called: ALPHA-THALASSEMIA/MENTAL RETARDATION SYNDROME, X-LINKED; ATR, NONDELETION TYPE; ATR-X syndrome; Alpha thalassemia mental retardation syndrome, nondeletion type, X-linked; XLMR hypotonic face syndrome; X-linked alpha-thalassemia-mental retardation syndrome. Identifiers: Orphanet 847, MedGen C1845055, MONDO:0010519, OMIM 301040.

gnomAD v4.1: 1 of 1,211,198 alleles (0.000083%); highest among the groups gnomAD compares: South Asian, 0.0018%; no homozygotes.

Submission:

Labcorp Genetics (formerly Invitae), Labcorp
Classification: Uncertain significance for Alpha thalassemia-X-linked intellectual disability syndrome. Last evaluated: 2024-09-24. Review status: criteria provided, single submitter. Criteria: Invitae Variant Classification Sherloc (09022015). Collection method: clinical testing. Allele origin: germline.
Comment: This sequence change replaces aspartic acid, which is acidic and polar, with valine, which is neutral and non-polar, at codon 1486 of the ATRX protein (p.Asp1486Val). This variant is not present in population databases (gnomAD no frequency). This variant has not been reported in the literature in individuals affected with ATRX-related conditions. Invitae Evidence Modeling of protein sequence and biophysical properties (such as structural, functional, and spatial information, amino acid conservation, physicochemical variation, residue mobility, and thermodynamic stability) has been performed for this missense variant. However, the output from this modeling did not meet the statistical confidence thresholds required to predict the impact of this variant on ATRX protein function. In summary, the available evidence is currently insufficient to determine the role of this variant in disease. Therefore, it has been classified as a Variant of Uncertain Significance.

NM_000489.6(ATRX):c.4457A>T (p.Asp1486Val)

Gene: ATRX (ATRX chromatin remodeler; minus strand). Cytogenetic location: Xq21.1.
Variant type: single nucleotide variant.
Coding change: c.4457A>T on transcript NM_000489.6 (MANE Select); coding-DNA position 4457, A replaced by T.
Protein change: p.Asp1486Val; replaces aspartic acid 1486 with valine.
Molecular consequence: missense variant.
Genome position (GRCh38, 1-based): chrX:77,652,214, T>A on the plus strand (A>T on the coding strand, the complement: ATRX is on the minus strand). VCF-style: chrX-77652214-T-A. GRCh37 (hg19) VCF-style: chrX-76907704-T-A.
Other names: c.4343A>T, p.Asp1448Val (NM_138270.5); short protein forms D1448V, D1486V.
Identifiers: ClinVar variation 3626806 (VCV003626806.2).